The following is an entry in ClinVar:

ClinVar aggregate classification (germline): Pathogenic/Likely pathogenic. Review status: criteria provided, multiple submitters, no conflicts (2 of 4 stars). 6 submissions from 6 submitters: Pathogenic (3); Likely pathogenic (1). 2 of the submissions do not count toward it. Last evaluated 2026-08-10.

Conditions:
Inborn genetic diseases. Identifiers: MedGen C0950123, MeSH D030342.
Syndromic neurodevelopmental disorder.
ZMIZ1-related disorder. Also called: ZMIZ1-related condition.
Neurodevelopmental disorder with dysmorphic facies and distal skeletal anomalies. Identifiers: MedGen C5231448, MONDO:0032855, OMIM 618659.

Submissions (6):

Ambry Genetics
Classification: Pathogenic for Inborn genetic diseases. Last evaluated: 2026-08-10. Review status: criteria provided, single submitter. Criteria: Ambry Variant Classification Scheme 2023. Collection method: clinical testing. Allele origin: germline.
Comment: The c.899C>T (p.T300M) alteration is located in exon 11 (coding exon 7) of the ZMIZ1 gene. This alteration results from a C to T substitution at nucleotide position 899, causing the threonine (T) at amino acid position 300 to be replaced by a methionine (M). This variant was not reported in population-based cohorts in the Genome Aggregation Database (gnomAD). This variant was reported in individuals with features consistent with ZMIZ1-related neurodevelopmental disorder; in at least one individual, it was determined to be de novo (Carapito 2019). This amino acid position is highly conserved in available vertebrate species. This missense variant is located in a region that has a low rate of benign missense variation (Lek, 2016; Firth, 2009). The in silico prediction for this alteration is inconclusive. Based on the available evidence, this alteration is classified as pathogenic.

Daryl Scott Lab, Baylor College of Medicine
Classification: Pathogenic for Neurodevelopmental disorder with dysmorphic facies and distal skeletal anomalies. Last evaluated: 2024-01-01. Review status: criteria provided, single submitter. Criteria: ACMG Guidelines, 2015. Collection method: clinical testing. Allele origin: de novo. Affected: yes. Observed: 1 heterozygote.
Comment: PS2, PS3, PM2, PP3

Blueprint Genetics
Classification: Likely pathogenic for ZMIZ1-related disorders. Last evaluated: 2022-09-20. Review status: criteria provided, single submitter. Criteria: ACMG Guidelines, 2015. Collection method: clinical testing. Allele origin: germline. Affected: yes. Observed: 2 variant alleles.

GeneDx
Classification: Pathogenic. Last evaluated: 2021-11-30. Review status: criteria provided, single submitter. Criteria: GeneDx Variant Classification Process June 2021. Collection method: clinical testing. Allele origin: germline. Affected: yes.
Comment: Published functional studies demonstrate a damaging effect (Carapito et al., 2019); Not observed in large population cohorts (Lek et al., 2016); This variant is associated with the following publications: (PMID: 30639322)

OMIM
Classification: Pathogenic for NEURODEVELOPMENTAL DISORDER WITH DYSMORPHIC FACIES AND DISTAL SKELETAL ANOMALIES. Last evaluated: 2020-03-17. Review status: no assertion criteria provided. Collection method: literature only. Allele origin: germline. Not counted in ClinVar's aggregate classification.

University of Washington Center for Mendelian Genomics, University of Washington
Classification: Likely pathogenic for syndromic neurodevelopmental disorder. Review status: no assertion criteria provided. Collection method: research. Allele origin: de novo. Affected: yes. Not counted in ClinVar's aggregate classification.

Literature cited by the submitters: PubMed 30639322 (cited by 3 submitters).

NM_020338.4(ZMIZ1):c.899C>T (p.Thr300Met)

Gene: ZMIZ1 (zinc finger MIZ-type containing 1; plus strand). Cytogenetic location: 10q22.3.
Variant type: single nucleotide variant.
Coding change: c.899C>T on transcript NM_020338.4 (MANE Select); coding-DNA position 899, C replaced by T.
Protein change: p.Thr300Met; replaces threonine 300 with methionine.
Molecular consequence: missense variant.
Genome position (GRCh38, 1-based): chr10:79,292,298, C>T. VCF-style: chr10-79292298-C-T. GRCh37 (hg19) VCF-style: chr10-81052055-C-T.
Other names: short protein forms T300M.
Identifiers: ClinVar variation 694588 (VCV000694588.10), dbSNP rs1589579500, ClinGen allele CA377333061.